The following is an entry in ClinVar:

ClinVar aggregate classification (germline): Benign (1 of 4 stars; one submission).

Allele frequency attached by ClinVar (database versions not stated): TOPMed 0.74114; 1000 Genomes Project 30x 0.74126; gnomAD 0.74866 and 0.76058; 1000 Genomes Project 0.75599.
gnomAD v4.1: 116,017 of 152,194 alleles (76%); highest among the groups gnomAD compares: East Asian, 98%; 48,529 homozygotes.

Submission:

GeneDx
Classification: Benign. Last evaluated: 2018-06-19. Review status: criteria provided, single submitter. Criteria: GeneDx Variant Classification (06012015). Collection method: clinical testing. Allele origin: germline. Affected: yes.
Comment: This variant is considered likely benign or benign based on one or more of the following criteria: it is a conservative change, it occurs at a poorly conserved position in the protein, it is predicted to be benign by multiple in silico algorithms, and/or has population frequency not consistent with disease.

NM_018136.5(ASPM):c.2026+204G>A

Gene: ASPM (assembly factor for spindle microtubules; minus strand). Cytogenetic location: 1q31.3.
Variant type: single nucleotide variant.
Coding change: c.2026+204G>A on transcript NM_018136.5 (MANE Select); 204 bases into the intron after coding-DNA position 2026, G replaced by A.
Molecular consequence: intron variant.
Genome position (GRCh38, 1-based): chr1:197,139,563, C>T on the plus strand (G>A on the coding strand, the complement: ASPM is on the minus strand). VCF-style: chr1-197139563-C-T. GRCh37 (hg19) VCF-style: chr1-197108693-C-T.
Other names: c.2026+204G>A (NM_001206846.2).
Identifiers: ClinVar variation 678050 (VCV000678050.1), dbSNP rs10737687, ClinGen allele CA16075657.